The following is an entry in ClinVar:

ClinVar aggregate classification (germline): Benign. Review status: criteria provided, multiple submitters, no conflicts (2 of 4 stars). 3 submissions from 3 submitters: Benign (2). 1 of the submissions does not count toward it. Last evaluated 2021-06-09.

Conditions:
CNTN4-related disorder. Also called: CNTN4-related condition.

Allele frequency attached by ClinVar (database versions not stated): 1000 Genomes Project 0.14277; 1000 Genomes Project 30x 0.14538; TOPMed 0.15316; ESP Exome Variant Server 0.15977.
gnomAD v4.1: 160,487 of 1,611,994 alleles (10%); highest among the groups gnomAD compares: African/African-American, 28%; 9,705 homozygotes.

Submissions (3):

GeneDx
Classification: Benign. Last evaluated: 2021-06-09. Review status: criteria provided, single submitter. Criteria: GeneDx Variant Classification Process June 2021. Collection method: clinical testing. Allele origin: germline. Affected: yes.

Breakthrough Genomics
Classification: Benign. Review status: criteria provided, single submitter. Criteria: ACMG Guidelines, 2015. Collection method: not provided. Allele origin: germline. Inheritance: Unknown mechanism. Affected: yes.

PreventionGenetics, part of Exact Sciences
Classification: Benign for CNTN4-related condition. Last evaluated: 2019-11-26. Review status: no assertion criteria provided. Collection method: clinical testing. Allele origin: germline. Not counted in ClinVar's aggregate classification.
Comment: This variant is classified as benign based on ACMG/AMP sequence variant interpretation guidelines (Richards et al. 2015 PMID: 25741868, with internal and published modifications).

NM_175607.3(CNTN4):c.1554G>A (p.Pro518=)

Gene: CNTN4 (contactin 4; plus strand). Cytogenetic location: 3p26.2.
Variant type: single nucleotide variant.
Coding change: c.1554G>A on transcript NM_175607.3 (MANE Select); coding-DNA position 1554, G replaced by A.
Protein change: p.Pro518=; no amino-acid change (proline 518 retained).
Molecular consequence: synonymous variant.
Genome position (GRCh38, 1-based): chr3:3,026,169, G>A. VCF-style: chr3-3026169-G-A. GRCh37 (hg19) VCF-style: chr3-3067853-G-A.
Other names: c.1554G>A, p.Pro518= (NM_001206955.2, NM_001350095.2); c.570G>A, p.Pro190= (NM_001206956.2, NM_175613.3).
Identifiers: ClinVar variation 1257048 (VCV001257048.5), dbSNP rs7639977, ClinGen allele CA2227411.